The following is an entry in ClinVar:

NM_004006.3(DMD):c.7544C>T (p.Ala2515Val)

Gene: DMD (dystrophin; minus strand). Cytogenetic location: Xp21.1.
Variant type: single nucleotide variant.
Coding change: c.7544C>T on transcript NM_004006.3 (MANE Select); coding-DNA position 7544, C replaced by T.
Protein change: p.Ala2515Val; replaces alanine 2515 with valine.
Molecular consequence: missense variant.
Genome position (GRCh38, 1-based): chrX:31,729,747, G>A on the plus strand (C>T on the coding strand, the complement: DMD is on the minus strand). VCF-style: chrX-31729747-G-A. GRCh37 (hg19) VCF-style: chrX-31747864-G-A.
Other names: c.7520C>T, p.Ala2507Val (NM_000109.4); c.7532C>T, p.Ala2511Val (NM_004009.3); c.7175C>T, p.Ala2392Val (NM_004010.3); c.3521C>T, p.Ala1174Val (NM_004011.4); c.3512C>T, p.Ala1171Val (NM_004012.4); c.164C>T, p.Ala55Val (NM_004013.3, NM_004020.4, NM_004021.3 and 2 more transcripts); short protein forms A1171V, A1174V, A2392V, A2507V, A2511V, A2515V, A55V.
Identifiers: ClinVar variation 3623132 (VCV003623132.3).

ClinVar aggregate classification (germline): Uncertain significance (1 of 4 stars; one submission).

Conditions:
Duchenne muscular dystrophy (DMD). Also called: MUSCULAR DYSTROPHY, PSEUDOHYPERTROPHIC PROGRESSIVE, DUCHENNE TYPE; Duchenne Muscular Dystrophy (DMD). Identifiers: Orphanet 98896, MedGen C0013264, MONDO:0010679, OMIM 310200.

Submissions (2):

Labcorp Genetics (formerly Invitae), Labcorp
Classification: Uncertain significance for Duchenne muscular dystrophy. Last evaluated: 2024-08-07. Review status: criteria provided, single submitter. Criteria: Invitae Variant Classification Sherloc (09022015). Collection method: clinical testing. Allele origin: germline.
Comment: This sequence change replaces alanine, which is neutral and non-polar, with valine, which is neutral and non-polar, at codon 2515 of the DMD protein (p.Ala2515Val). This variant is not present in population databases (gnomAD no frequency). This variant has not been reported in the literature in individuals affected with DMD-related conditions. An algorithm developed to predict the effect of missense changes on protein structure and function (PolyPhen-2) suggests that this variant is likely to be disruptive. In summary, the available evidence is currently insufficient to determine the role of this variant in disease. Therefore, it has been classified as a Variant of Uncertain Significance.

Dr. Peter K. Rogan Lab, Western University
No classification provided (evidence only). Condition: Nonpapillary renal cell carcinoma. Review status: no classification provided. Collection method: in vitro. Allele origin: not applicable. Functional consequence: retained intron. Not counted in ClinVar's aggregate classification.